The following is an entry in ClinVar:

NM_001497.4(B4GALT1):c.1064+5A>T

Gene: B4GALT1 (beta-1,4-galactosyltransferase 1; minus strand). Cytogenetic location: 9p21.1.
Variant type: single nucleotide variant.
Coding change: c.1064+5A>T on transcript NM_001497.4 (MANE Select); 5 bases into the intron after coding-DNA position 1064, A replaced by T.
Molecular consequence: intron variant.
Genome position (GRCh38, 1-based): chr9:33,113,769, T>A on the plus strand (A>T on the coding strand, the complement: B4GALT1 is on the minus strand). VCF-style: chr9-33113769-T-A. GRCh37 (hg19) VCF-style: chr9-33113767-T-A.
Other names: c.649-8988A>T (NM_001378497.1); c.941+5A>T (NM_001378496.1); c.1025+5A>T (NM_001378495.1).
Identifiers: ClinVar variation 235426 (VCV000235426.29), dbSNP rs182359666, ClinGen allele CA5023615.

ClinVar aggregate classification (germline): Conflicting classifications of pathogenicity. Review status: criteria provided, conflicting classifications (1 of 4 stars). 3 submissions from 3 submitters: Uncertain significance (1); Likely benign (2). Last evaluated 2026-01-26.

Allele frequency attached by ClinVar (database versions not stated): ESP Exome Variant Server 0.00062; TOPMed 0.00064; 1000 Genomes Project 30x 0.00203; 1000 Genomes Project 0.00220.
gnomAD v4.1: 1,775 of 1,614,130 alleles (0.11%); highest among the groups gnomAD compares: South Asian, 0.59%; 5 homozygotes.

Submissions (3):

Labcorp Genetics (formerly Invitae), Labcorp
Classification: Likely benign. Last evaluated: 2026-01-26. Review status: criteria provided, single submitter. Criteria: Invitae Variant Classification Sherloc (09022015). Collection method: clinical testing. Allele origin: germline.

CeGaT Center for Human Genetics Tuebingen
Classification: Likely benign. Last evaluated: 2024-08-01. Review status: criteria provided, single submitter. Criteria: CeGaT Center For Human Genetics Tuebingen Variant Classification Criteria Version 2. Collection method: clinical testing. Allele origin: germline. Affected: yes. Observed: 1 variant allele.
Comment: B4GALT1: BP4, BS2

Center for Pediatric Genomic Medicine, Children's Mercy Hospital and Clinics
Classification: Uncertain significance. Last evaluated: 2016-02-17. Review status: criteria provided, single submitter. Criteria: ACMG Guidelines, 2015. Collection method: clinical testing. Allele origin: germline.
ClinVar note: Converted during submission from Uncertain Significance to Uncertain significance.